The following is an entry in ClinVar:

NM_012233.3(RAB3GAP1):c.2852_2854del (p.Tyr951del)

Gene: RAB3GAP1 (RAB3 GTPase activating protein catalytic subunit 1; plus strand). Cytogenetic location: 2q21.3.
Variant type: Deletion.
Coding change: c.2852_2854del on transcript NM_012233.3 (MANE Select); coding-DNA positions 2852 to 2854, 3 bases deleted (ACT; older notation c.2852_2854delACT).
Protein change: p.Tyr951del; deletes tyrosine 951.
Molecular consequence: inframe deletion.
Genome position (GRCh38, 1-based): chr2:135,168,687-135,168,689, ACT deleted; deleting any 3 consecutive bases within chr2:135,168,685-135,168,689 gives the same sequence; the c. name uses the placement nearest the transcript's 3' end. VCF-style (leftmost placement, unchanged base first): chr2-135168684-CCTA-C. GRCh37 (hg19) VCF-style: chr2-135926254-CCTA-C.
Other names: c.2873_2875del, p.Tyr958del (NM_001172435.2); short protein forms Y958del, Y951del.
Identifiers: ClinVar variation 1384769 (VCV001384769.6), dbSNP rs747547011, ClinGen allele CA1885213.
Genomic context (GRCh38, chr2:135,168,684, plus strand): 5'-ACTTCCCACCCCCTGCTGGCCGGGAATTCATTTTGCGCACCACTGTGCCGCGCCCTGCTC[CCTA>C]CTCCAAAGCTCTGCCTCAGCGGATGTACAGTGTTCTCACCAAAGAGGACTTTAGACTTGC-3'

ClinVar aggregate classification (germline): Uncertain significance (1 of 4 stars; one submission).

Submission:

Labcorp Genetics (formerly Invitae), Labcorp
Classification: Uncertain significance. Last evaluated: 2021-10-14. Review status: criteria provided, single submitter. Criteria: Invitae Variant Classification Sherloc (09022015). Collection method: clinical testing. Allele origin: germline.
Comment: In summary, the available evidence is currently insufficient to determine the role of this variant in disease. Therefore, it has been classified as a Variant of Uncertain Significance. Experimental studies and prediction algorithms are not available or were not evaluated, and the functional significance of this variant is currently unknown. This variant has not been reported in the literature in individuals affected with RAB3GAP1-related conditions. This variant is present in population databases (rs747547011, gnomAD 0.002%). This variant, c.2852_2854del, results in the deletion of 1 amino acid(s) of the RAB3GAP1 protein (p.Tyr951del), but otherwise preserves the integrity of the reading frame.